The following is an entry in ClinVar:

NM_001374736.1(DST):c.20419T>C (p.Leu6807=)

Gene: DST (dystonin; minus strand). Cytogenetic location: 6p12.1.
Variant type: single nucleotide variant.
Coding change: c.20419T>C on transcript NM_001374736.1 (MANE Select); coding-DNA position 20419, T replaced by C.
Protein change: p.Leu6807=; no amino-acid change (leucine 6807 retained).
Molecular consequence: synonymous variant.
Genome position (GRCh38, 1-based): chr6:56,493,065, A>G on the plus strand (T>C on the coding strand, the complement: DST is on the minus strand). VCF-style: chr6-56493065-A-G. GRCh37 (hg19) VCF-style: chr6-56357863-A-G.
Other names: c.14062T>C, p.Leu4688= (NM_001144769.5); c.13648T>C, p.Leu4550= (NM_001144770.2); c.20419T>C, p.Leu6807= (NM_001374722.1); c.19459T>C, p.Leu6487= (NM_001374729.1); c.13201T>C, p.Leu4401= (NM_001374730.1); c.20446T>C, p.Leu6816= (NM_001374734.1); c.13528T>C, p.Leu4510= (NM_001386100.1, NM_183380.4); c.12550T>C, p.Leu4184= (NM_015548.5).
Identifiers: ClinVar variation 3057593 (VCV003057593.2), dbSNP rs1021558083, ClinGen allele CA450489175.

ClinVar aggregate classification (germline): Likely benign (0 of 4 stars; one submission).

Conditions:
DST-related disorder. Also called: DST-related condition; DST-related disorders.

Submission:

PreventionGenetics, part of Exact Sciences
Classification: Likely benign for DST-related condition. Last evaluated: 2019-04-04. Review status: no assertion criteria provided. Collection method: clinical testing. Allele origin: germline.
Comment: This variant is classified as likely benign based on ACMG/AMP sequence variant interpretation guidelines (Richards et al. 2015 PMID: 25741868, with internal and published modifications).